The following is an entry in ClinVar:

NM_000348.4(SRD5A2):c.383_384delinsGA (p.Tyr128Ter)

Gene: SRD5A2 (steroid 5 alpha-reductase 2; minus strand). Cytogenetic location: 2p23.1.
Variant type: Indel.
Coding change: c.383_384delinsGA on transcript NM_000348.4 (MANE Select); coding-DNA positions 383 to 384, AC replaced by GA.
Protein change: p.Tyr128Ter; replaces tyrosine 128 with a stop codon.
Molecular consequence: nonsense.
Genome position (GRCh38, 1-based): chr2:31,533,664-31,533,665, GT replaced by TC on the plus strand (AC replaced by GA on the coding strand, the reverse complement: SRD5A2 is on the minus strand). VCF-style: chr2-31533664-GT-TC. GRCh37 (hg19) VCF-style: chr2-31758734-GT-TC.
Other names: short protein forms Y128*.
Identifiers: ClinVar variation 2444013 (VCV002444013.1), dbSNP rs2465632802, ClinGen allele CA2580066367.

ClinVar aggregate classification (germline): Pathogenic (1 of 4 stars; one submission).

Conditions:
3-Oxo-5 alpha-steroid delta 4-dehydrogenase deficiency (PPSH). Also called: MALE PSEUDOHERMAPHRODITISM DUE TO 5-ALPHA-REDUCTASE DEFICIENCY; 46,XY disorder of sex development due to 5-alpha-reductase 2 deficiency; PSEUDOVAGINAL PERINEOSCROTAL HYPOSPADIAS; FAMILIAL INCOMPLETE MALE PSEUDOHERMAPHRODITISM, TYPE 2. Identifiers: Orphanet 753, MedGen C0268297, MONDO:0009923, OMIM 264600. Disease mechanism: loss of function.

Submission:

Department of Medical Genomics, Royal Prince Alfred Hospital
Classification: Pathogenic for 3-Oxo-5 alpha-steroid delta 4-dehydrogenase deficiency. Last evaluated: 2023-03-13. Review status: criteria provided, single submitter. Criteria: ACMG Guidelines, 2015. Collection method: clinical testing. Allele origin: unknown. Inheritance: Autosomal recessive inheritance. Affected: yes.
Comment: Karyotype showed 46, XY with presence of SRY confirmed on QF-PCR. This variant has not beeen observed in population database (gnomAD). The insertion/deletion replaces tyrosine at position 128 with a premature stop codon. This variant was found in compound heteroygous state with a known pathogenic mutation in SRD5A2. Based on the current evidence, this insertion/deletion is classified as pathogenic (ACMG criteria: PVS1, PM2_supporting, PM3_supporting).